The following is an entry in ClinVar:

NM_001267550.2(TTN):c.34894C>A (p.Leu11632Ile)

Gene: TTN (titin; minus strand). Cytogenetic location: 2q31.2.
Variant type: single nucleotide variant.
Coding change: c.34894C>A on transcript NM_001267550.2 (MANE Select); coding-DNA position 34894, C replaced by A.
Protein change: p.Leu11632Ile; replaces leucine 11632 with isoleucine.
Molecular consequence: missense variant. On other transcripts: intron variant (3).
Genome position (GRCh38, 1-based): chr2:178,672,443, G>T on the plus strand (C>A on the coding strand, the complement: TTN is on the minus strand). VCF-style: chr2-178672443-G-T. GRCh37 (hg19) VCF-style: chr2-179537170-G-T.
Other names: c.33772C>A, p.Leu11258Ile (NM_001256850.1); c.13283-30126C>A (NM_003319.4); c.13859-30126C>A (NM_133437.4); c.13658-30126C>A (NM_133432.3); c.30991C>A, p.Leu10331Ile (NM_133378.4); short protein forms L10331I, L11632I, L11258I.
Identifiers: ClinVar variation 166099 (VCV000166099.8), dbSNP rs727503633, ClinGen allele CA178893.

ClinVar aggregate classification (germline): Conflicting classifications of pathogenicity. Review status: criteria provided, conflicting classifications (1 of 4 stars). 3 submissions from 3 submitters: Uncertain significance (2); Likely benign (1). Last evaluated 2021-12-24.

Conditions:
Limb-girdle muscular dystrophy (LGMD). Also called: Muscular Dystrophies, Limb-Girdle. Identifiers: Orphanet 263, MedGen C0686353, MeSH D049288, MONDO:0016971, HP:0006785.
Cardiomyopathy (CMYO). Also called: Cardiomyopathies. Identifiers: Orphanet 167848, MedGen C0878544, MONDO:0004994, HP:0001638. Inheritance: Various modes of inheritance.

Allele frequency attached by ClinVar (database versions not stated): gnomAD exomes 0.00002 and 0.00003; ExAC 0.00004.
gnomAD v4.1: 21 of 1,597,284 alleles (0.0013%); highest among the groups gnomAD compares: South Asian, 0.024%; no homozygotes.

Submissions (3):

CHEO Genetics Diagnostic Laboratory, Children's Hospital of Eastern Ontario
Classification: Likely benign for Cardiomyopathy. Last evaluated: 2021-12-24. Review status: criteria provided, single submitter. Criteria: ACMG Guidelines, 2015. Collection method: clinical testing. Allele origin: germline.

Cambridge Genomics Laboratory, East Genomic Laboratory Hub, NHS Genomic Medicine Service
Classification: Uncertain significance for Limb-girdle muscular dystrophy. Last evaluated: 2020-04-29. Review status: criteria provided, single submitter. Criteria: ACGS Best Practice Guidelines for Variant Classification in Rare Disease 2020. Collection method: clinical testing. Allele origin: germline. Affected: yes. Observed: 1 variant allele.

Laboratory for Molecular Medicine, Mass General Brigham Personalized Medicine
Classification: Uncertain significance. Last evaluated: 2014-03-14. Review status: criteria provided, single submitter. Criteria: LMM Criteria. Collection method: clinical testing. Allele origin: germline. Observed: 1 variant allele.
Comment: The Leu1033Ile variant in TTN has not been previously reported in individuals wi th cardiomyopathy or in large population studies. Computational prediction tools and conservation analysis suggest that this variant may not impact the protein, though this information is not predictive enough to rule out pathogenicity. Add itional information is needed to fully assess the clinical significance of the v ariant.